The following is an entry in ClinVar:

ClinVar aggregate classification (germline): Conflicting classifications of pathogenicity. Review status: criteria provided, conflicting classifications (1 of 4 stars). 3 submissions from 3 submitters: Likely pathogenic (2); Uncertain significance (1). Last evaluated 2026-09-01.

Conditions:
Hypophosphatasia. Also called: Phosphoethanol-aminuria. Identifiers: Orphanet 436, MedGen C0020630, MeSH D007014, MONDO:0018570.
Infantile hypophosphatasia. Identifiers: Orphanet 247651, Orphanet 436, MedGen C0268412, MONDO:1010169, OMIM 241500, MONDO:0009427.

Allele frequency attached by ClinVar (database versions not stated): gnomAD exomes 0.00001.
gnomAD v4.1: 14 of 1,614,106 alleles (0.00087%); highest among the groups gnomAD compares: Non-Finnish European, 0.0011%; no homozygotes.

Submissions (3):

Genomenon, Inc
Classification: Likely pathogenic for Hypophosphatasia. Last evaluated: 2026-09-01. Review status: criteria provided, single submitter. Criteria: Genomenon Sequence Variant Interpretation Standards - Updated. Collection method: curation. Allele origin: germline. Affected: yes.
Comment: ALPL c.1161A>G is a synonymous variant that retains Glycine at codon 387. This variant has been observed in at least one proband affected with an ALPL-related disorder (PMID:38280421). It has been observed in trans with a pathogenic or likely pathogenic variant in at least one individual (PMID:38280421). At least one splicing study has demonstrated that this variant results in aberrant splicing (PMID:38280421). It is absent or not present at a significant frequency in gnomAD. In conclusion, we classify ALPL p.Gly387= (c.1161A>G) as a likely pathogenic variant.

Prenatal Diagnosis Center, Peking University People's Hospital
Classification: Likely pathogenic for Infantile hypophosphatasia. Last evaluated: 2023-11-15. Review status: criteria provided, single submitter. Criteria: ACMG Guidelines, 2015. Collection method: research. Allele origin: paternal, not applicable. Inheritance: Autosomal recessive inheritance. Affected: yes. Observed: 1 compound heterozygote. Functional consequence: effect on RNA splicing.
Comment: RNA-seq revealed that the variant resulted in the deletion of 33 bps from the 3’ end of exon 10 in half of the transcripts. and the deletion led to the in-frame loss of 11 amino acid residues of the crown domain, which is critical to the protein function. This variant is not present in population databases (ExAC:.; 1000 Genome:.; gnomAD:.). A pathogenic variant c.346G>A (p.A116T) was observed in trans. For these reasons, this variant has been classified as likely pathogenic (PS3, PM1, PM3, PM2_PP).

Blueprint Genetics
Classification: Uncertain significance. Last evaluated: 2020-01-03. Review status: criteria provided, single submitter. Criteria: ACMG Guidelines, 2015. Collection method: clinical testing. Allele origin: germline.

Literature cited by the submitters: PubMed 38280421 (cited by Genomenon, Inc).

NM_000478.6(ALPL):c.1161A>G (p.Gly387=)

Gene: ALPL (alkaline phosphatase, biomineralization associated; plus strand). Cytogenetic location: 1p36.12.
Variant type: single nucleotide variant.
Coding change: c.1161A>G on transcript NM_000478.6 (MANE Select); coding-DNA position 1161, A replaced by G.
Protein change: p.Gly387=; no amino-acid change (glycine 387 retained).
Molecular consequence: synonymous variant.
Genome position (GRCh38, 1-based): chr1:21,575,896, A>G. VCF-style: chr1-21575896-A-G. GRCh37 (hg19) VCF-style: chr1-21902389-A-G.
Other names: c.996A>G, p.Gly332= (NM_001127501.4); c.930A>G, p.Gly310= (NM_001177520.3); c.1161A>G, p.Gly387= (NM_001369803.2, NM_001369804.2, NM_001369805.2).
Identifiers: ClinVar variation 2661899 (VCV002661899.4), dbSNP rs2545342795, ClinGen allele CA416533452.